The following is an entry in ClinVar:

NM_024685.4(BBS10):c.306_309del (p.Asp102fs)

Gene: BBS10 (Bardet-Biedl syndrome 10; minus strand). Cytogenetic location: 12q21.2.
Variant type: Microsatellite.
Coding change: c.306_309del on transcript NM_024685.4 (MANE Select); coding-DNA positions 306 to 309, 4 bases deleted (CAGA; older notation c.306_309delCAGA).
Protein change: p.Asp102fs; shifts the reading frame from aspartic acid 102.
Molecular consequence: frameshift variant.
Genome position (GRCh38, 1-based): chr12:76,347,676-76,347,679, TCTG deleted on the plus strand (CAGA on the coding strand, the reverse complement: BBS10 is on the minus strand); deleting any 4 consecutive bases within chr12:76,347,676-76,347,684 gives the same sequence; the c. name uses the placement nearest the transcript's 3' end. VCF-style (leftmost placement, unchanged base first): chr12-76347675-CTCTG-C. GRCh37 (hg19) VCF-style: chr12-76741455-CTCTG-C.
Other names: c.306_309delCAGA (NM_024685.3); short protein forms D102fs.
Identifiers: ClinVar variation 817853 (VCV000817853.15), dbSNP rs745497072, ClinGen allele CA6694368.

ClinVar aggregate classification (germline): Pathogenic/Likely pathogenic. Review status: criteria provided, multiple submitters, no conflicts (2 of 4 stars). 5 submissions from 5 submitters: Pathogenic (4); Likely pathogenic (1). Last evaluated 2026-08-17.

Conditions:
Bardet-Biedl syndrome 10 (BBS10). Identifiers: Orphanet 110, MedGen C1859568, MONDO:0014438, OMIM 615987.
Bardet-Biedl syndrome (BBS). Identifiers: Orphanet 110, MedGen C0752166, MONDO:0015229.
BBS10-related ciliopathy. Identifiers: MedGen CN375912, MONDO:0700237.
BBS10-related disorder. Also called: BBS10-related condition.

Submissions (5):

PreventionGenetics, part of Exact Sciences
Classification: Pathogenic for BBS10-related condition. Last evaluated: 2026-08-17. Review status: criteria provided, single submitter. Criteria: ACMG Guidelines, 2015. Collection method: clinical testing. Allele origin: germline.
Comment: The BBS10 c.306_309delCAGA variant is predicted to result in a frameshift and premature protein termination (p.Asp102Glufs*6). To our knowledge, this variant has not been reported in the literature in individuals with BBS10 associated conditions. This variant is reported in 0.0035% of alleles in individuals of European (Non-Finnish) descent in gnomAD. Frameshift variants in BBS10 are expected to be pathogenic. This variant is interpreted as pathogenic.

Clinical Genetics Laboratory, Skane University Hospital Lund
Classification: Pathogenic for BBS10-related ciliopathy. Last evaluated: 2026-04-14. Review status: criteria provided, single submitter. Criteria: ACMG Guidelines, 2015. Collection method: clinical testing. Allele origin: germline. Inheritance: Autosomal recessive inheritance. Affected: yes.
Comment: ACMG criteria: PVS1, PM2 and PM3.

Natera, Inc.
Classification: Likely pathogenic for Bardet-Biedl syndrome type 10. Last evaluated: 2025-11-06. Review status: criteria provided, single submitter. Criteria: Natera Variant Classification Schema (03/2026). Collection method: clinical testing. Allele origin: germline.
Comment: The c.306_309delCAGA variant in BBS10 is a frameshift variant predicted to shift the reading frame beginning at codon 102 and leads to a stop codon 6 codons downstream. This variant is expected to result in nonsense mediated decay, truncation, or a dysfunctional protein product. This variant is rare in the general population with a frequency below the threshold expected for the associated phenotype(s). Given the available evidence, this variant is classified as Likely Pathogenic.

GeneDx
Classification: Pathogenic. Last evaluated: 2024-03-11. Review status: criteria provided, single submitter. Criteria: GeneDx Variant Classification Process June 2021. Collection method: clinical testing. Allele origin: germline. Affected: yes.
Comment: Reported previously in an unaffected carrier; however, no further information was provided (PMID: 31964843); Frameshift variant in the C-terminus predicted to result in protein truncation, as the last 622 amino acids are lost and replaced with 5 incorrect amino acids (HGMD); This variant is associated with the following publications: (PMID: 31964843)

Labcorp Genetics (formerly Invitae), Labcorp
Classification: Pathogenic for Bardet-Biedl syndrome. Last evaluated: 2024-03-07. Review status: criteria provided, single submitter. Criteria: Invitae Variant Classification Sherloc (09022015). Collection method: clinical testing. Allele origin: germline.
Comment: This sequence change creates a premature translational stop signal (p.Asp102Glufs*6) in the BBS10 gene. While this is not anticipated to result in nonsense mediated decay, it is expected to disrupt the last 622 amino acid(s) of the BBS10 protein. This variant is present in population databases (rs745497072, gnomAD 0.004%). This variant has not been reported in the literature in individuals affected with BBS10-related conditions. ClinVar contains an entry for this variant (Variation ID: 817853). This variant disrupts a region of the BBS10 protein in which other variant(s) (p.Val707*) have been determined to be pathogenic (PMID: 20472660, 25982971, 27486776). This suggests that this is a clinically significant region of the protein, and that variants that disrupt it are likely to be disease-causing. For these reasons, this variant has been classified as Pathogenic.

Literature cited by the submitters: PubMed 20472660 (cited by Labcorp Genetics (formerly Invitae), Labcorp); PubMed 25982971 (cited by Labcorp Genetics (formerly Invitae), Labcorp); PubMed 27486776 (cited by Labcorp Genetics (formerly Invitae), Labcorp).